The following is an entry in ClinVar:

NM_001042492.3(NF1):c.7839_7840delinsCT (p.Lys2614Ter)

Gene: NF1 (neurofibromin 1; plus strand). Cytogenetic location: 17q11.2.
Variant type: Indel.
Coding change: c.7839_7840delinsCT on transcript NM_001042492.3 (MANE Select); coding-DNA positions 7839 to 7840, GA replaced by CT.
Protein change: p.Lys2614Ter; replaces lysine 2614 with a stop codon.
Molecular consequence: nonsense.
Genome position (GRCh38, 1-based): chr17:31,357,060-31,357,061, GA replaced by CT. VCF-style: chr17-31357060-GA-CT. GRCh37 (hg19) VCF-style: chr17-29684078-GA-CT.
Other names: c.7776_7777delGAinsCT, p.Lys2593Ter (NM_000267.4); short protein forms K2593*, K2614*.
Identifiers: ClinVar variation 4056351 (VCV004056351.1).
Genomic context (GRCh38, chr17:31,357,060, plus strand): 5'-ACGTAAAGTTTCAGTGTCTGAATCAAATGTTCTCTTGGATGAAGAAGTACTTACTGATCC[GA>CT]AGATCCAGGCGCTGCTTCTTACTGTTCTAGTAAGGATTTCCCCTTTTTGAGTCCCCCACC-3'

ClinVar aggregate classification (germline): Pathogenic (1 of 4 stars; one submission).

Conditions:
Neurofibromatosis, type 1 (NF1). Also called: NEUROFIBROMATOSIS, TYPE I, SOMATIC; Neurofibromatosis, type I; VON RECKLINGHAUSEN DISEASE; Peripheral type neurofibromatosis. Identifiers: Orphanet 636, MedGen C0027831, MONDO:0018975, OMIM 162200. Disease mechanism: loss of function.

Submission:

Center for Human Genetics and Genomic Medicine, Uniklinik Rwth Aachen
Classification: Pathogenic for Neurofibromatosis, type 1. Last evaluated: 2025-06-27. Review status: criteria provided, single submitter. Criteria: ACMG Guidelines, 2015. Collection method: clinical testing. Allele origin: de novo. Inheritance: Autosomal dominant inheritance. Affected: yes. Observed: 1 heterozygote.
Comment: PVS1_Very_Strong, PM2_Supporting, PM6_Moderate